The following is an entry in ClinVar:

ClinVar aggregate classification (germline): Uncertain significance (1 of 4 stars; one submission).

Submission:

GeneDx
Classification: Uncertain significance. Last evaluated: 2025-06-05. Review status: criteria provided, single submitter. Criteria: GeneDx Variant Classification Process June 2021. Collection method: clinical testing. Allele origin: germline. Affected: yes.
Comment: Not observed at significant frequency in large population cohorts (gnomAD); In-frame deletion of 1 amino acid(s) in a non-repeat region; In silico analysis supports a deleterious effect on protein structure/function; Has not been previously published as pathogenic or benign to our knowledge; This variant is associated with the following publications: (PMID: 20619386, 18034775)

NM_005188.4(CBL):c.234_236del (p.Lys78del)

Gene: CBL (Cbl proto-oncogene; plus strand). Cytogenetic location: 11q23.3.
Variant type: Deletion.
Coding change: c.234_236del on transcript NM_005188.4 (MANE Select); coding-DNA positions 234 to 236, 3 bases deleted (GAA; older notation c.234_236delGAA).
Protein change: p.Lys78del; deletes lysine 78.
Molecular consequence: inframe deletion.
Genome position (GRCh38, 1-based): chr11:119,232,486-119,232,488, GAA deleted; deleting any 3 consecutive bases within chr11:119,232,484-119,232,488 gives the same sequence; the c. name uses the placement nearest the transcript's 3' end. VCF-style (leftmost placement, unchanged base first): chr11-119232483-AAAG-A. GRCh37 (hg19) VCF-style: chr11-119103193-AAAG-A.
Other names: short protein forms K78del.
Identifiers: ClinVar variation 4536407 (VCV004536407.1).
Genomic context (GRCh38, chr11:119,232,483, plus strand): 5'-AGCCCTTCTTTTTCATTTGTTGCAGGTGGTGCGGTTGTGTCAGAACCCAAAGCTGGCGCT[AAAG>A]AATAGCCCACCTTATATCTTAGACCTGCTACCAGATACCTACCAGCATCTCCGTACTATC-3'